The following is an entry in ClinVar:

NM_001042492.3(NF1):c.2271A>T (p.Lys757Asn)

Gene: NF1 (neurofibromin 1; plus strand). Cytogenetic location: 17q11.2.
Variant type: single nucleotide variant.
Coding change: c.2271A>T on transcript NM_001042492.3 (MANE Select); coding-DNA position 2271, A replaced by T.
Protein change: p.Lys757Asn; replaces lysine 757 with asparagine.
Molecular consequence: missense variant.
Genome position (GRCh38, 1-based): chr17:31,227,237, A>T. VCF-style: chr17-31227237-A-T. GRCh37 (hg19) VCF-style: chr17-29554255-A-T.
Other names: c.2271A>T, p.Lys757Asn (NM_000267.4); short protein forms K757N.
Identifiers: ClinVar variation 568492 (VCV000568492.5), dbSNP rs1555613916, ClinGen allele CA398982736.

ClinVar aggregate classification (germline): Uncertain significance. Review status: criteria provided, multiple submitters, no conflicts (2 of 4 stars). 2 submissions from 2 submitters: Uncertain significance (2). Last evaluated 2024-01-21.

Conditions:
Neurofibromatosis, type 1 (NF1). Also called: VON RECKLINGHAUSEN DISEASE; NEUROFIBROMATOSIS, TYPE I, SOMATIC; Peripheral type neurofibromatosis; Neurofibromatosis, type I. Identifiers: Orphanet 636, MedGen C0027831, MONDO:0018975, OMIM 162200. Disease mechanism: loss of function.
Hereditary cancer-predisposing syndrome. Also called: Neoplastic Syndromes, Hereditary; Tumor predisposition; Hereditary Cancer Syndrome; Hereditary neoplastic syndrome. Identifiers: Orphanet 140162, MedGen C0027672, MeSH D009386, MONDO:0015356.
Cardiovascular phenotype. Identifiers: MedGen CN230736.

Submissions (2):

Ambry Genetics
Classification: Uncertain significance for Cardiovascular phenotype; Hereditary cancer-predisposing syndrome. Last evaluated: 2024-01-21. Review status: criteria provided, single submitter. Criteria: Ambry Variant Classification Scheme 2023. Collection method: clinical testing. Allele origin: germline.
Comment: The p.K757N variant (also known as c.2271A>T), located in coding exon 19 of the NF1 gene, results from an A to T substitution at nucleotide position 2271. The lysine at codon 757 is replaced by asparagine, an amino acid with similar properties. This amino acid position is conserved. In addition, the in silico prediction for this alteration is inconclusive. Based on the available evidence, the clinical significance of this alteration remains unclear.

Labcorp Genetics (formerly Invitae), Labcorp
Classification: Uncertain significance for Neurofibromatosis, type 1. Last evaluated: 2023-03-04. Review status: criteria provided, single submitter. Criteria: Invitae Variant Classification Sherloc (09022015). Collection method: clinical testing. Allele origin: germline.
Comment: This sequence change replaces lysine, which is basic and polar, with asparagine, which is neutral and polar, at codon 757 of the NF1 protein (p.Lys757Asn). This variant is not present in population databases (gnomAD no frequency). This variant has not been reported in the literature in individuals affected with NF1-related conditions. ClinVar contains an entry for this variant (Variation ID: 568492). Advanced modeling of protein sequence and biophysical properties (such as structural, functional, and spatial information, amino acid conservation, physicochemical variation, residue mobility, and thermodynamic stability) has been performed at Invitae for this missense variant, however the output from this modeling did not meet the statistical confidence thresholds required to predict the impact of this variant on NF1 protein function. In summary, the available evidence is currently insufficient to determine the role of this variant in disease. Therefore, it has been classified as a Variant of Uncertain Significance.